The following is an entry in ClinVar:

NM_000059.4(BRCA2):c.1064dup (p.Ser356fs)

Gene: BRCA2 (BRCA2 DNA repair associated; plus strand). Cytogenetic location: 13q13.1.
Variant type: Duplication.
Coding change: c.1064dup on transcript NM_000059.4 (MANE Select); coding-DNA position 1064, one base duplicated (T; older notation c.1064dupT).
Protein change: p.Ser356fs; shifts the reading frame from serine 356.
Molecular consequence: frameshift variant. On other transcripts: non-coding transcript variant (1), intron variant (1).
Genome position (GRCh38, 1-based): chr13:32,332,542, T duplicated. VCF-style (leftmost placement, unchanged base first): chr13-32332541-G-GT. GRCh37 (hg19) VCF-style: chr13-32906678-G-GT.
Other names: c.1064dup, p.Ser356fs (NM_001406719.1, NM_001406720.1, NM_001406721.1 and 1 more transcripts); c.424+1512dup (NM_001406722.1); c.1064dupT (NM_000059.3); short protein forms S356fs.
Identifiers: ClinVar variation 3482066 (VCV003482066.1).

ClinVar aggregate classification (germline): Pathogenic (1 of 4 stars; one submission).

Conditions:
Hereditary cancer-predisposing syndrome. Also called: Tumor predisposition; Neoplastic Syndromes, Hereditary; Hereditary Cancer Syndrome; Hereditary neoplastic syndrome. Identifiers: Orphanet 140162, MedGen C0027672, MeSH D009386, MONDO:0015356.

Submission:

Ambry Genetics
Classification: Pathogenic for Hereditary cancer-predisposing syndrome. Last evaluated: 2024-08-26. Review status: criteria provided, single submitter. Criteria: Ambry Variant Classification Scheme 2023. Collection method: clinical testing. Allele origin: germline.
Comment: The c.1064dupT pathogenic mutation, located in coding exon 9 of the BRCA2 gene, results from a duplication of T at nucleotide position 1064, causing a translational frameshift with a predicted alternate stop codon (p.S356Ifs*2). This variant is considered to be rare based on population cohorts in the Genome Aggregation Database (gnomAD). This alteration is expected to result in loss of function by premature protein truncation or nonsense-mediated mRNA decay. As such, this alteration is interpreted as a disease-causing mutation.